The following is an entry in ClinVar:

ClinVar aggregate classification (germline): Uncertain significance (1 of 4 stars; one submission).

Conditions:
Hereditary cancer-predisposing syndrome. Also called: Neoplastic Syndromes, Hereditary; Tumor predisposition; Hereditary neoplastic syndrome; Hereditary Cancer Syndrome. Identifiers: Orphanet 140162, MedGen C0027672, MeSH D009386, MONDO:0015356.

Submission:

Ambry Genetics
Classification: Uncertain significance for Hereditary cancer-predisposing syndrome. Last evaluated: 2019-07-05. Review status: criteria provided, single submitter. Criteria: Ambry Variant Classification Scheme 2023. Collection method: clinical testing. Allele origin: germline.
Comment: The p.D156E variant (also known as c.468T>G), located in coding exon 5 of the RAD51D gene, results from a T to G substitution at nucleotide position 468. The aspartic acid at codon 156 is replaced by glutamic acid, an amino acid with highly similar properties. This amino acid position is well conserved in available vertebrate species. In addition, this alteration is predicted to be tolerated by in silico analysis. Since supporting evidence is limited at this time, the clinical significance of this alteration remains unclear.

NM_002878.4(RAD51D):c.468T>G (p.Asp156Glu)

Genes: RAD51L3-RFFL (RAD51L3-RFFL readthrough; minus strand), RAD51D (RAD51 paralog D; minus strand). Cytogenetic location: 17q12.
Variant type: single nucleotide variant.
Coding change: c.468T>G on transcript NM_002878.4 (MANE Select); coding-DNA position 468, T replaced by G.
Protein change: p.Asp156Glu; replaces aspartic acid 156 with glutamic acid.
Molecular consequence: missense variant. On other transcripts: non-coding transcript variant (1), intron variant (1).
Genome position (GRCh38, 1-based): chr17:35,107,000, A>C on the plus strand (T>G on the coding strand, the complement: RAD51D is on the minus strand). VCF-style: chr17-35107000-A-C. GRCh37 (hg19) VCF-style: chr17-33434019-A-C.
Other names: c.528T>G, p.Asp176Glu (NM_001142571.2); c.145-519T>G (NM_133629.3); short protein forms D156E, D176E.
Identifiers: ClinVar variation 825101 (VCV000825101.4), dbSNP rs1597862508, ClinGen allele CA399089167.